The following is an entry in ClinVar:

ClinVar aggregate classification (germline): Benign (1 of 4 stars; one submission).

Conditions:
Polyps, multiple and recurrent inflammatory fibroid, gastrointestinal. Identifiers: MedGen C5193005, MONDO:0008285, OMIM 175510.

Submission:

Myriad Genetics, Inc.
Classification: Benign for Polyps, multiple and recurrent inflammatory fibroid, gastrointestinal. Last evaluated: 2026-06-17. Review status: criteria provided, single submitter. Criteria: Myriad Autosomal Dominant, Autosomal Recessive and X-Linked Classification Criteria (2023). Collection method: clinical testing. Allele origin: unknown.
Comment: This variant is considered benign. This variant is a silent/synonymous amino acid change and it is not expected to impact splicing.

NM_006206.6(PDGFRA):c.2097G>A (p.Glu699=)

Gene: PDGFRA (platelet derived growth factor receptor alpha; plus strand). Cytogenetic location: 4q12.
Variant type: single nucleotide variant.
Coding change: c.2097G>A on transcript NM_006206.6 (MANE Select); coding-DNA position 2097, G replaced by A.
Protein change: p.Glu699=; no amino-acid change (glutamic acid 699 retained).
Molecular consequence: synonymous variant.
Genome position (GRCh38, 1-based): chr4:54,278,456, G>A. VCF-style: chr4-54278456-G-A. GRCh37 (hg19) VCF-style: chr4-55144623-G-A.
Other names: c.2097G>A, p.Glu699= (NM_001347827.2, NM_001347829.2); c.2172G>A, p.Glu724= (NM_001347828.2); c.2136G>A, p.Glu712= (NM_001347830.2).
Identifiers: ClinVar variation 4875852 (VCV004875852.1).